The following is an entry in ClinVar:

NM_020964.3(EPG5):c.2629G>C (p.Asp877His)

Gene: EPG5 (ectopic P-granules 5 autophagy tethering factor; minus strand). Cytogenetic location: 18q21.1.
Variant type: single nucleotide variant.
Coding change: c.2629G>C on transcript NM_020964.3 (MANE Select); coding-DNA position 2629, G replaced by C.
Protein change: p.Asp877His; replaces aspartic acid 877 with histidine.
Molecular consequence: missense variant.
Genome position (GRCh38, 1-based): chr18:45,925,827, C>G on the plus strand (G>C on the coding strand, the complement: EPG5 is on the minus strand). VCF-style: chr18-45925827-C-G. GRCh37 (hg19) VCF-style: chr18-43505793-C-G.
Other names: short protein forms D877H.
Identifiers: ClinVar variation 1379683 (VCV001379683.7), dbSNP rs1283557669, ClinGen allele CA402345948.

ClinVar aggregate classification (germline): Uncertain significance (1 of 4 stars; one submission).

Conditions:
Vici syndrome (VICIS). Identifiers: Orphanet 1493, MedGen C1855772, MONDO:0009452, OMIM 242840.

Submission:

Labcorp Genetics (formerly Invitae), Labcorp
Classification: Uncertain significance for Vici syndrome. Last evaluated: 2022-08-22. Review status: criteria provided, single submitter. Criteria: Invitae Variant Classification Sherloc (09022015). Collection method: clinical testing. Allele origin: germline.
Comment: In summary, the available evidence is currently insufficient to determine the role of this variant in disease. Therefore, it has been classified as a Variant of Uncertain Significance. Algorithms developed to predict the effect of missense changes on protein structure and function are either unavailable or do not agree on the potential impact of this missense change (SIFT: "Tolerated"; PolyPhen-2: "Possibly Damaging"; Align-GVGD: "Class C0"). ClinVar contains an entry for this variant (Variation ID: 1379683). This variant has not been reported in the literature in individuals affected with EPG5-related conditions. This variant is not present in population databases (gnomAD no frequency). This sequence change replaces aspartic acid, which is acidic and polar, with histidine, which is basic and polar, at codon 877 of the EPG5 protein (p.Asp877His).